The following is an entry in ClinVar:

NM_000256.3(MYBPC3):c.818G>A (p.Arg273His)

Gene: MYBPC3 (myosin binding protein C3; minus strand). Cytogenetic location: 11p11.2.
Variant type: single nucleotide variant.
Coding change: c.818G>A on transcript NM_000256.3 (MANE Select); coding-DNA position 818, G replaced by A.
Protein change: p.Arg273His; replaces arginine 273 with histidine.
Molecular consequence: missense variant.
Genome position (GRCh38, 1-based): chr11:47,347,860, C>T on the plus strand (G>A on the coding strand, the complement: MYBPC3 is on the minus strand). VCF-style: chr11-47347860-C-T. GRCh37 (hg19) VCF-style: chr11-47369411-C-T.
Other names: NM_000256.3(MYBPC3):c.818G>A(p.Arg273His); c.818G>A, p.Arg273His (LRG_386t1); short protein forms R273H.
Identifiers: ClinVar variation 161312 (VCV000161312.35), dbSNP rs376461745, ClinGen allele CA015877.

ClinVar aggregate classification (germline): Uncertain significance. Review status: criteria provided, multiple submitters, no conflicts (2 of 4 stars). 17 submissions from 17 submitters: Uncertain significance (13). 4 of the submissions do not count toward it. Last evaluated 2026-02-12.

Conditions:
Cardiovascular phenotype. Identifiers: MedGen CN230736.
MYBPC3-related disorder. Also called: MYBPC3-related disorders; MYBPC3-related condition; MYBPC3-related disease.
Hypertrophic cardiomyopathy 4. Also called: Familial hypertrophic cardiomyopathy 4. Identifiers: MedGen C1861862, MONDO:0007268, OMIM 115197.
Left ventricular noncompaction 10 (LVNC10). Identifiers: Orphanet 154, Orphanet 54260, MedGen C3715165, MONDO:0014163, OMIM 615396.
Cardiomyopathy (CMYO). Also called: Cardiomyopathies. Identifiers: Orphanet 167848, MedGen C0878544, MONDO:0004994, HP:0001638. Inheritance: Various modes of inheritance.
Hypertrophic cardiomyopathy 1 (CMH1). Also called: Familial hypertrophic cardiomyopathy 1; MYH7-Related Familial Hypertrophic Cardiomyopathy. Identifiers: MedGen C3495498, MONDO:0008647, OMIM 192600.
Primary familial hypertrophic cardiomyopathy (HCM). Identifiers: Orphanet 99739, MedGen C0949658, MeSH D024741, MONDO:0024573. Inheritance: Various modes of inheritance.
Hypertrophic cardiomyopathy. Also called: HYPERTROPHIC MYOCARDIOPATHY. Identifiers: Orphanet 217569, MedGen C0007194, MeSH D002312, MONDO:0005045, HP:0001639.

Allele frequency attached by ClinVar (database versions not stated): gnomAD 0.00002; ExAC 0.00004; TOPMed 0.00004; ESP Exome Variant Server 0.00008.
gnomAD v4.1: 113 of 1,565,784 alleles (0.0072%); highest among the groups gnomAD compares: Admixed American, 0.019%; no homozygotes.

Submissions 1 to 9 of 17:

PreventionGenetics, part of Exact Sciences
Classification: Uncertain significance for MYBPC3-related condition. Last evaluated: 2026-02-12. Review status: criteria provided, single submitter. Criteria: ACMG Guidelines, 2015. Collection method: clinical testing. Allele origin: germline.
Comment: The MYBPC3 c.818G>A variant is predicted to result in the amino acid substitution p.Arg273His. This variant has been reported in a family with hypertrophic cardiomyopathy along with a variant in the MYH7 gene (Ingles et al. 2005. PubMed ID: 16199542), and has also been reported in an individual with dilated cardiomyopathy (Table S5, Mazzarotto et al. 2020. PubMed ID: 31983221). An alternate missense change at the same amino acid position (p.Arg273Cys) has been reported in an individual with hypertrophic cardiomyopathy and in an individual with dilated cardiomyopathy (Santos et al. 2011. PubMed ID: 21425739; Chanavat et al. 2015. PubMed ID: 26688388). This variant is reported in 0.023% of alleles in individuals of Latino descent in gnomAD and is interpreted as uncertain in ClinVar (Variation ID: 161312). At this time, the clinical significance of this variant is uncertain due to the absence of conclusive functional and genetic evidence.

Labcorp Genetics (formerly Invitae), Labcorp
Classification: Uncertain significance for Hypertrophic cardiomyopathy. Last evaluated: 2025-12-23. Review status: criteria provided, single submitter. Criteria: Invitae Variant Classification Sherloc (09022015). Collection method: clinical testing. Allele origin: germline.
Comment: This sequence change replaces arginine, which is basic and polar, with histidine, which is basic and polar, at codon 273 of the MYBPC3 protein (p.Arg273His). This variant is present in population databases (rs376461745, gnomAD 0.02%). This missense change has been observed in individual(s) with MYBPC3-related conditions (PMID: 16199542, 21835320, 27532257, 31513939, 32841044). ClinVar contains an entry for this variant (Variation ID: 161312). An algorithm developed to predict the effect of missense changes on protein structure and function (PolyPhen-2) suggests that this variant is likely to be disruptive. This variant disrupts the p.Arg273 amino acid residue in MYBPC3. Other variant(s) that disrupt this residue have been observed in individuals with MYBPC3-related conditions (PMID: 21425739), which suggests that this may be a clinically significant amino acid residue. In summary, the available evidence is currently insufficient to determine the role of this variant in disease. Therefore, it has been classified as a Variant of Uncertain Significance.

All of Us Research Program, National Institutes of Health
Classification: Uncertain significance for Hypertrophic cardiomyopathy. Last evaluated: 2024-08-06. Review status: criteria provided, single submitter. Criteria: ACMG Guidelines, 2015. Collection method: clinical testing. Allele origin: germline. Inheritance: Autosomal dominant inheritance. Observed: 10 variant alleles, 10 heterozygotes.
Comment: This missense variant replaces arginine with histidine at codon 273 of the MYBPC3 protein. Computational prediction is inconclusive regarding the impact of this variant on protein structure and function (internally defined REVEL score threshold 0.5 < inconclusive < 0.7, PMID: 27666373). Splice site prediction tools suggest that this variant may not impact RNA splicing. To our knowledge, functional studies have not been performed for this variant. This variant has been reported in individuals affected with hypertrophic cardiomyopathy (PMID: 16199542, 27532257) and in an individual affected with dilated cardiomyopathy (PMID: 27532257). This variant has also been reported in two related individuals affected with hypertrophic cardiomyopathy, who carried a pathogenic p.Arg719Gln variant in the same gene that could explain the observed phenotype (PMID: 16199542). A relative from this family who carried this variant and lacked the pathogenic p.Arg719Gln variant was unaffected (PMID: 16199542). This variant has been identified in 16/174260 chromosomes in the general population by the Genome Aggregation Database (gnomAD). The available evidence is insufficient to determine the role of this variant in disease conclusively. Therefore, this variant is classified as a Variant of Uncertain Significance.

This study involves interpretation of variants in research participants for the purpose of population health screening. Participant phenotype was not available at the time of variant classification. Additional details can be found in publication PMID: 35346344, PMCID: PMC8962531

Blueprint Genetics
Classification: Uncertain significance. Last evaluated: 2024-06-10. Review status: criteria provided, single submitter. Criteria: ACMG Guidelines, 2015. Collection method: clinical testing. Allele origin: germline.

Ambry Genetics
Classification: Uncertain significance for Cardiovascular phenotype. Last evaluated: 2024-05-07. Review status: criteria provided, single submitter. Criteria: Ambry Variant Classification Scheme 2023. Collection method: clinical testing. Allele origin: germline.
Comment: The p.R273H variant (also known as c.818G>A), located in coding exon 7 of the MYBPC3 gene, results from a G to A substitution at nucleotide position 818. The arginine at codon 273 is replaced by histidine, an amino acid with highly similar properties. This variant co-occurred with an MYH7 pathogenic mutation in two individuals with hypertrophic cardiomyopathy (HCM) in a family; however, a third relative with only the MYBPC3 variant was unaffected at the time of study (Ingles J et al. J Med Genet. 2005 Oct;42(10):e59). This variant has also been detected in HCM cohorts, or cohorts referred for HCM or dilated cardiomyopathy genetic testing; however, details were limited (Olivotto I et al. Mayo Clin Proc, 2008 Jun;83:630-8; Olivotto I et al. J Am Coll Cardiol, 2011 Aug;58:839-48; Coppini R et al. J Am Coll Cardiol, 2014 Dec;64:2589-2600; Walsh R et al. Genet Med, 2017 02;19:192-203; Robyns T et al. Eur J Med Genet, 2020 Mar;63:103754). This amino acid position is highly conserved in available vertebrate species. In addition, the in silico prediction for this alteration is inconclusive. Based on the available evidence, the clinical significance of this variant remains unclear.

Color Diagnostics, LLC DBA Color Health
Classification: Uncertain significance for Cardiomyopathy. Last evaluated: 2023-10-24. Review status: criteria provided, single submitter. Criteria: ACMG Guidelines, 2015. Collection method: clinical testing. Allele origin: germline.
Comment: This missense variant replaces arginine with histidine at codon 273 of the MYBPC3 protein. Computational prediction is inconclusive regarding the impact of this variant on protein structure and function (internally defined REVEL score threshold 0.5 < inconclusive < 0.7, PMID: 27666373). To our knowledge, functional studies have not been reported for this variant. This variant has been reported in at least four individuals affected with hypertrophic cardiomyopathy (PMID: 16199542, 27532257, 31513939, 32841044). One of these individuals also carried a pathogenic variant in the MYH7 gene; a relative from this family who carried this variant and lacked the pathogenic MYH7 variant was unaffected (PMID: 16199542). This variant has also been reported in one individual affected with dilated cardiomyopathy (PMID: 27532257, 31983221) and in one individual affected with primary cardiomyopathy (PMID: 37477868). This variant has been identified in 16/174260 chromosomes in the general population by the Genome Aggregation Database (gnomAD). The available evidence is insufficient to determine the role of this variant in disease conclusively. Therefore, this variant is classified as a Variant of Uncertain Significance.

Fulgent Genetics
Classification: Uncertain significance for Hypertrophic cardiomyopathy 4; Left ventricular noncompaction 10. Last evaluated: 2022-04-06. Review status: criteria provided, single submitter. Criteria: ACMG Guidelines, 2015. Collection method: clinical testing. Allele origin: unknown.

Center for Human Genetics, University of Leuven
Classification: Uncertain significance for Hypertrophic cardiomyopathy. Last evaluated: 2018-10-31. Review status: criteria provided, single submitter. Criteria: ACMG Guidelines, 2015. Collection method: clinical testing. Allele origin: germline. Affected: yes.

SIB Swiss Institute of Bioinformatics
Classification: Uncertain significance for Hypertrophic cardiomyopathy 4. Last evaluated: 2018-05-31. Review status: criteria provided, single submitter. Criteria: ACMG Guidelines, 2015. Collection method: curation. Allele origin: unknown.
Comment: This variant is interpreted as a Uncertain Significance - Insufficient Evidence, for Cardiomyopathy, familial hypertrophic, 4, in Autosomal Dominant manner. The following ACMG Tag(s) were applied: PP3 => Multiple lines of computational evidence support a deleterious effect on the gene or gene product. PM2-Supporting => PM2 downgraded in strength to Supporting.